The following is an entry in ClinVar:

NM_015311.3(OBSL1):c.3922C>T (p.Arg1308Ter)

Gene: OBSL1 (obscurin like cytoskeletal adaptor 1; minus strand). Cytogenetic location: 2q35.
Variant type: single nucleotide variant.
Coding change: c.3922C>T on transcript NM_015311.3 (MANE Select); coding-DNA position 3922, C replaced by T.
Protein change: p.Arg1308Ter; replaces arginine 1308 with a stop codon.
Molecular consequence: nonsense.
Genome position (GRCh38, 1-based): chr2:219,557,487, G>A on the plus strand (C>T on the coding strand, the complement: OBSL1 is on the minus strand). VCF-style: chr2-219557487-G-A. GRCh37 (hg19) VCF-style: chr2-220422209-G-A.
Other names: c.3922C>T, p.Arg1308Ter (NM_001173431.2); short protein forms R1308*.
Identifiers: ClinVar variation 1375767 (VCV001375767.9), dbSNP rs561778744, ClinGen allele CA2130715.

ClinVar aggregate classification (germline): Conflicting classifications of pathogenicity. Review status: criteria provided, conflicting classifications (1 of 4 stars). 4 submissions from 4 submitters: Likely pathogenic (1); Uncertain significance (3). Last evaluated 2025-08-11.

Conditions:
OBSL1-related disorder. Also called: OBSL1-related condition.

Allele frequency attached by ClinVar (database versions not stated): TOPMed 0.00015; gnomAD exomes 0.00017 and 0.00021; gnomAD 0.00018; ExAC 0.00025; 1000 Genomes Project 0.00040; 1000 Genomes Project 30x 0.00047.
gnomAD v4.1: 272 of 1,552,692 alleles (0.018%); highest among the groups gnomAD compares: Admixed American, 0.029%; no homozygotes.

Submissions (4):

PreventionGenetics, part of Exact Sciences
Classification: Likely pathogenic for OBSL1-related condition. Last evaluated: 2025-08-11. Review status: criteria provided, single submitter. Criteria: ACMG Guidelines, 2015. Collection method: clinical testing. Allele origin: germline.
Comment: The OBSL1 c.3922C>T variant is predicted to result in premature protein termination (p.Arg1308*). This variant in the homozygous state, along with a homozygous pathogenic variant in DCLRE1C, has been reported in an individual with a dual diagnosis of Artemis deficiency (OMIM #602450) and Three M (3-M) syndrome (Ceylan A et al. 2023. PubMed ID: 37520055). This variant is reported in 0.039% of alleles in individuals of European (Non-Finnish) descent in gnomAD. Nonsense variants in OBSL1 are expected to be pathogenic. This variant is interpreted as likely pathogenic.

Blueprint Genetics
Classification: Uncertain significance. Last evaluated: 2024-11-25. Review status: criteria provided, single submitter. Criteria: ACMG Guidelines, 2015. Collection method: clinical testing. Allele origin: germline.

Women's Health and Genetics/Laboratory Corporation of America, LabCorp
Classification: Uncertain significance. Last evaluated: 2024-08-02. Review status: criteria provided, single submitter. Criteria: LabCorp Variant Classification Summary - May 2015. Collection method: clinical testing. Allele origin: germline.
Comment: Variant summary: OBSL1 c.3922C>T (p.Arg1308X) results in a premature termination codon, predicted to cause a truncation of the encoded protein or absence of the protein due to nonsense mediated decay, which are commonly known mechanisms for disease. The variant allele was found at a frequency of 0.00021 in 154396 control chromosomes. This frequency is not significantly higher than estimated for a pathogenic variant in OBSL1 causing Three M Syndrome 2 (0.00021 vs 0.0011), allowing no conclusion about variant significance. c.3922C>T has been reported in the literature in an homozygous individual affected with Three M Syndrome 2 and immunodeficiencywhich can be attributed to an coexistent homozygous variant in the DCLRE1C gene (Ceylan_2023). These data indicate that the variant may be associated with disease. However, it is unclear whether loss of function variants in this region of the gene (exon 7 and downstream exons) cause disease. To our knowledge, no experimental evidence demonstrating an impact on protein function has been reported. The following publication have been ascertained in the context of this evaluation (PMID: 37520055). ClinVar contains an entry for this variant (Variation ID: 1375767). Based on the evidence outlined above, the variant was classified as VUS-possibly pathogenic.

Labcorp Genetics (formerly Invitae), Labcorp
Classification: Uncertain significance. Last evaluated: 2023-11-27. Review status: criteria provided, single submitter. Criteria: Invitae Variant Classification Sherloc (09022015). Collection method: clinical testing. Allele origin: germline.
Comment: This sequence change creates a premature translational stop signal (p.Arg1308*) in the OBSL1 gene. However, it is currently unclear if variants that occur in this region of the gene cause disease. This variant is present in population databases (rs561778744, gnomAD 0.04%). This variant has not been reported in the literature in individuals affected with OBSL1-related conditions. ClinVar contains an entry for this variant (Variation ID: 1375767). In summary, the available evidence is currently insufficient to determine the role of this variant in disease. Therefore, it has been classified as a Variant of Uncertain Significance.

Literature cited by the submitters: PubMed 37520055 (cited by Women's Health and Genetics/Laboratory Corporation of America, LabCorp).